The following is an entry in ClinVar:

NM_015352.2(POFUT1):c.90C>G (p.Asp30Glu)

Gene: POFUT1 (protein O-fucosyltransferase 1; plus strand). Cytogenetic location: 20q11.21.
Variant type: single nucleotide variant.
Coding change: c.90C>G on transcript NM_015352.2 (MANE Select); coding-DNA position 90, C replaced by G.
Protein change: p.Asp30Glu; replaces aspartic acid 30 with glutamic acid.
Molecular consequence: missense variant.
Genome position (GRCh38, 1-based): chr20:32,208,031, C>G. VCF-style: chr20-32208031-C-G. GRCh37 (hg19) VCF-style: chr20-30795834-C-G.
Other names: c.90C>G, p.Asp30Glu (NM_172236.2); short protein forms D30E.
Identifiers: ClinVar variation 570946 (VCV000570946.8), dbSNP rs368413950, ClinGen allele CA9807100.
Genomic context (GRCh38, chr20:32,208,031, plus strand): 5'-GAGCGTGTCTTTCCTGCTGCTGCTTCTGCCGCTCCCGGGGATGCCTGCGGGCTCCTGGGA[C>G]CCGGCCGGTTACCTGCTCTACTGCCCCTGCATGGGTAAGGCCTCCCAAGCCCTCTGCTCA-3'
Protein context (NP_056167.1, residues 20-40): PLPGMPAGSW[Asp30Glu]PAGYLLYCPC

ClinVar aggregate classification (germline): Uncertain significance (1 of 4 stars; one submission).

Conditions:
Dowling-Degos disease 2 (DDD2). Identifiers: Orphanet 79145, MedGen C3809147, MONDO:0014130, OMIM 615327.

Allele frequency attached by ClinVar (database versions not stated): TOPMed 0.00003; gnomAD 0.00004 and 0.00005; ESP Exome Variant Server 0.00008; gnomAD exomes 0.00008; ExAC 0.00009.
gnomAD v4.1: 155 of 1,573,230 alleles (0.0099%); highest among the groups gnomAD compares: Middle Eastern, 0.033%; no homozygotes.

Submission:

Labcorp Genetics (formerly Invitae), Labcorp
Classification: Uncertain significance for Dowling-Degos disease 2. Last evaluated: 2023-12-07. Review status: criteria provided, single submitter. Criteria: Invitae Variant Classification Sherloc (09022015). Collection method: clinical testing. Allele origin: germline.
Comment: This sequence change replaces aspartic acid, which is acidic and polar, with glutamic acid, which is acidic and polar, at codon 30 of the POFUT1 protein (p.Asp30Glu). This variant is present in population databases (rs368413950, gnomAD 0.02%). This variant has not been reported in the literature in individuals affected with POFUT1-related conditions. ClinVar contains an entry for this variant (Variation ID: 570946). An algorithm developed to predict the effect of missense changes on protein structure and function (PolyPhen-2) suggests that this variant is likely to be disruptive. In summary, the available evidence is currently insufficient to determine the role of this variant in disease. Therefore, it has been classified as a Variant of Uncertain Significance.